The following is an entry in ClinVar:

ClinVar aggregate classification (germline): Pathogenic (1 of 4 stars; one submission).

Conditions:
Lynch syndrome 5 (LYNCH5). Also called: Colorectal cancer, hereditary nonpolyposis, type 5; Hereditary non-polyposis colorectal cancer, type 5. Identifiers: Orphanet 144, MedGen C1833477, MONDO:0013710, OMIM 614350. Disease mechanism: loss of function.

Submission:

Myriad Genetics, Inc.
Classification: Pathogenic for Lynch syndrome 5. Last evaluated: 2023-05-25. Review status: criteria provided, single submitter. Criteria: Myriad Autosomal Dominant, Autosomal Recessive and X-Linked Classification Criteria (2023). Collection method: clinical testing. Allele origin: unknown.
Comment: This variant is considered pathogenic. This variant creates a frameshift predicted to result in premature protein truncation.

NM_000179.3(MSH6):c.3645_3646dup (p.Gly1216fs)

Gene: MSH6 (mutS homolog 6; plus strand). Cytogenetic location: 2p16.3.
Variant type: Duplication.
Coding change: c.3645_3646dup on transcript NM_000179.3 (MANE Select); coding-DNA positions 3645 to 3646, 2 bases duplicated (AG; older notation c.3645_3646dupAG).
Protein change: p.Gly1216fs; shifts the reading frame from glycine 1216.
Molecular consequence: frameshift variant. On other transcripts: non-coding transcript variant (5).
Genome position (GRCh38, 1-based): chr2:47,805,706-47,805,707, AG duplicated. VCF-style (leftmost placement, unchanged base first): chr2-47805705-T-TAG. GRCh37 (hg19) VCF-style: chr2-48032844-T-TAG.
Other names: c.3255_3256dup, p.Gly1086fs (NM_001281492.2); c.2739_2740dup, p.Gly914fs (NM_001281493.2, NM_001281494.2, NM_001406811.1 and 6 more transcripts); c.3741_3742dup, p.Gly1248fs (NM_001406795.1, NM_001406802.1); c.3645_3646dup, p.Gly1216fs (NM_001406796.1, NM_001406800.1, NM_001406808.1 and 1 more transcripts); c.3348_3349dup, p.Gly1117fs (NM_001406797.1, NM_001406801.1, NM_001406805.1 and 10 more transcripts); c.3471_3472dup, p.Gly1158fs (NM_001406798.1); c.3120_3121dup, p.Gly1041fs (NM_001406799.1, NM_001406806.1, NM_001406807.1); c.2781_2782dup, p.Gly928fs (NM_001406803.1); and 7 more; short protein forms G1041fs, G1086fs, G1117fs, G1158fs, G1160fs, G1190fs, G1216fs, G1218fs.
Identifiers: ClinVar variation 2583829 (VCV002583829.2), dbSNP rs2530825999, ClinGen allele CA2582342373.